The following is an entry in ClinVar:

NM_024426.6(WT1):c.1448-3C>T

Gene: WT1 (WT1 transcription factor; minus strand). Cytogenetic location: 11p13.
Variant type: single nucleotide variant.
Coding change: c.1448-3C>T on transcript NM_024426.6 (MANE Select); 3 bases into the intron before coding-DNA position 1448, C replaced by T.
Molecular consequence: intron variant.
Genome position (GRCh38, 1-based): chr11:32,389,182, G>A on the plus strand (C>T on the coding strand, the complement: WT1 is on the minus strand). VCF-style: chr11-32389182-G-A. GRCh37 (hg19) VCF-style: chr11-32410728-G-A.
Other names: c.1274-3C>T (NM_001407050.1); c.1316-3C>T (NM_001407047.1); c.1307-3C>T (NM_001407048.1); c.1304-3C>T (NM_001407049.1); c.1388-3C>T (NM_000378.6); c.1397-3C>T (NM_001407045.1); c.1433-3C>T (NM_001407044.1, NM_024426.4); c.1355-3C>T (NM_001407046.1); and 5 more.
Identifiers: ClinVar variation 1909910 (VCV001909910.6), dbSNP rs904330511, ClinGen allele CA2580084080.

ClinVar aggregate classification (germline): Uncertain significance. Review status: criteria provided, multiple submitters, no conflicts (2 of 4 stars). 2 submissions from 2 submitters: Uncertain significance (2). Last evaluated 2025-06-26.

Conditions:
Inborn genetic diseases. Identifiers: MedGen C0950123, MeSH D030342.
Frasier syndrome. Identifiers: Orphanet 347, MedGen C0950122, MeSH D052159, MONDO:0007635, OMIM 136680.
Wilms tumor 1 (WT1). Also called: Wilms tumor, somatic. Identifiers: Orphanet 654, MedGen CN033288, MONDO:0008679, OMIM 194070.
11p partial monosomy syndrome (WAGR). Also called: CHROMOSOME 11p13 DELETION SYNDROME; WAGR syndrome; WAGR Spectrum Disorder; WAGR Complex. Identifiers: Orphanet 893, MedGen C0206115, MONDO:0008681, OMIM 194072.
Drash syndrome (DDS). Also called: WILMS TUMOR AND PSEUDO- OR TRUE HERMAPHRODITISM; NEPHROPATHY, WILMS TUMOR, AND GENITAL ANOMALIES. Identifiers: Orphanet 220, MedGen C0950121, MONDO:0008682, OMIM 194080.

Submissions (2):

Ambry Genetics
Classification: Uncertain significance for Inborn genetic diseases. Last evaluated: 2025-06-26. Review status: criteria provided, single submitter. Criteria: Ambry Variant Classification Scheme 2023. Collection method: clinical testing. Allele origin: germline.
Comment: The c.1433-3C>T intronic variant results from a C to T substitution 3 nucleotides upstream from coding exon 10 in the WT1 gene. This nucleotide position is highly conserved in available vertebrate species. In silico splice site analysis predicts that this alteration will not have any significant effect on splicing. Based on the available evidence, the clinical significance of this variant remains unclear.

Labcorp Genetics (formerly Invitae), Labcorp
Classification: Uncertain significance for Wilms tumor 1; Drash syndrome; 11p partial monosomy syndrome; Frasier syndrome. Last evaluated: 2023-09-26. Review status: criteria provided, single submitter. Criteria: Invitae Variant Classification Sherloc (09022015). Collection method: clinical testing. Allele origin: germline.
Comment: In summary, the available evidence is currently insufficient to determine the role of this variant in disease. Therefore, it has been classified as a Variant of Uncertain Significance. Variants that disrupt the consensus splice site are a relatively common cause of aberrant splicing (PMID: 17576681, 9536098). Algorithms developed to predict the effect of sequence changes on RNA splicing suggest that this variant is not likely to affect RNA splicing. ClinVar contains an entry for this variant (Variation ID: 1909910). This variant has not been reported in the literature in individuals affected with WT1-related conditions. This variant is not present in population databases (gnomAD no frequency). This sequence change falls in intron 9 of the WT1 gene. It does not directly change the encoded amino acid sequence of the WT1 protein. It affects a nucleotide within the consensus splice site.

Literature cited by the submitters: PubMed 17576681 (cited by Labcorp Genetics (formerly Invitae), Labcorp); PubMed 9536098 (cited by Labcorp Genetics (formerly Invitae), Labcorp).